The following is an entry in ClinVar:

ClinVar aggregate classification (germline): Conflicting classifications of pathogenicity. Review status: criteria provided, conflicting classifications (1 of 4 stars). 4 submissions from 4 submitters: Uncertain significance (2); Likely benign (2). Last evaluated 2025-04-25.

Conditions:
X-linked Alport syndrome (ATS1). Also called: NEPHROPATHY AND DEAFNESS, X-LINKED; COL4A5-Related Nephropathy. Identifiers: Orphanet 63, Orphanet 88917, MedGen C4746986, MONDO:0010520, OMIM 301050.
Inborn genetic diseases. Identifiers: MedGen C0950123, MeSH D030342.

Allele frequency attached by ClinVar (database versions not stated): ExAC 0.00003; TOPMed 0.00003; gnomAD exomes 0.00004 and 0.00007; gnomAD 0.00005; ESP Exome Variant Server 0.00008.
gnomAD v4.1: 107 of 1,613,966 alleles (0.0066%); highest among the groups gnomAD compares: Non-Finnish European, 0.0088%; no homozygotes.

Submissions (4):

Ambry Genetics
Classification: Likely benign for Inborn genetic diseases. Last evaluated: 2025-04-25. Review status: criteria provided, single submitter. Criteria: Ambry Variant Classification Scheme 2023. Collection method: clinical testing. Allele origin: germline.

Labcorp Genetics (formerly Invitae), Labcorp
Classification: Uncertain significance. Last evaluated: 2024-12-31. Review status: criteria provided, single submitter. Criteria: Invitae Variant Classification Sherloc (09022015). Collection method: clinical testing. Allele origin: germline.
Comment: This sequence change replaces threonine, which is neutral and polar, with serine, which is neutral and polar, at codon 278 of the FN1 protein (p.Thr278Ser). This variant is present in population databases (rs368428323, gnomAD 0.009%). This variant has not been reported in the literature in individuals affected with FN1-related conditions. ClinVar contains an entry for this variant (Variation ID: 1342154). An algorithm developed to predict the effect of missense changes on protein structure and function outputs the following: PolyPhen-2: "Benign". The serine amino acid residue is found in multiple mammalian species, which suggests that this missense change does not adversely affect protein function. In summary, the available evidence is currently insufficient to determine the role of this variant in disease. Therefore, it has been classified as a Variant of Uncertain Significance.

Blueprint Genetics
Classification: Likely benign. Last evaluated: 2023-03-03. Review status: criteria provided, single submitter. Criteria: ACMG Guidelines, 2015. Collection method: clinical testing. Allele origin: germline.

Centre of Medical Genetics, University Hospital Muenster
Classification: Uncertain significance for X-linked Alport syndrome. Last evaluated: 2021-12-08. Review status: criteria provided, single submitter. Criteria: ACMG Guidelines, 2015. Collection method: clinical testing. Allele origin: germline. Affected: yes. Observed: 1 variant allele, 1 heterozygote.
Comment: ACMG categories: PM1,PP2

NM_212482.4(FN1):c.833C>G (p.Thr278Ser)

Gene: FN1 (fibronectin 1; minus strand). Cytogenetic location: 2q35.
Variant type: single nucleotide variant.
Coding change: c.833C>G on transcript NM_212482.4 (MANE Select); coding-DNA position 833, C replaced by G.
Protein change: p.Thr278Ser; replaces threonine 278 with serine.
Molecular consequence: missense variant.
Genome position (GRCh38, 1-based): chr2:215,428,191, G>C on the plus strand (C>G on the coding strand, the complement: FN1 is on the minus strand). VCF-style: chr2-215428191-G-C. GRCh37 (hg19) VCF-style: chr2-216292914-G-C.
Other names: c.833C>G (NM_212482.1); c.833C>G, p.Thr278Ser (NM_001306129.2, NM_001306130.2, NM_001306131.2 and 14 more transcripts); short protein forms T278S.
Identifiers: ClinVar variation 1342154 (VCV001342154.11), dbSNP rs368428323, ClinGen allele CA2095468.
Genomic context (GRCh38, chr2:215,428,191, plus strand): 5'-TTCTTGACCTGCTTCCCCATTTCCCGCCCCTGCTCGTCCTGTGCCTCACCGCTCGATGTG[G>C]TCTGCACAGAGGTGTGCCTCTCACACTTCCACTCTCCTCGGCCGTTGCCTGTGCAGATGC-3'
Protein context (NP_997647.2, residues 268-288): WKCERHTSVQ[Thr278Ser]TSSGSGPFTD